The following is an entry in ClinVar:

ClinVar aggregate classification (germline): Likely benign (0 of 4 stars; one submission).

Conditions:
MUC16-related disorder. Also called: MUC16-related condition.

Allele frequency attached by ClinVar (database versions not stated): 1000 Genomes Project 0.00240; ESP Exome Variant Server 0.00293; gnomAD 0.00331; TOPMed 0.00368; ExAC 0.00404; gnomAD exomes 0.00508.

Submissions (5):

PreventionGenetics, part of Exact Sciences
Classification: Likely benign for MUC16-related condition. Last evaluated: 2019-06-12. Review status: no assertion criteria provided. Collection method: clinical testing. Allele origin: germline.
Comment: This variant is classified as likely benign based on ACMG/AMP sequence variant interpretation guidelines (Richards et al. 2015 PMID: 25741868, with internal and published modifications).

Dr. Peter K. Rogan Lab, Western University
No classification provided (evidence only). Condition: Sarcoma. Review status: no classification provided. Collection method: in vitro. Allele origin: not applicable. Functional consequence: retained intron. Not counted in ClinVar's aggregate classification.

Dr. Peter K. Rogan Lab, Western University
No classification provided (evidence only). Condition: Thymoma. Review status: no classification provided. Collection method: in vitro. Allele origin: not applicable. Functional consequence: retained intron. Not counted in ClinVar's aggregate classification.

Dr. Peter K. Rogan Lab, Western University
No classification provided (evidence only). Condition: Ovarian serous cystadenocarcinoma. Review status: no classification provided. Collection method: in vitro. Allele origin: not applicable. Functional consequence: retained intron. Not counted in ClinVar's aggregate classification.

Dr. Peter K. Rogan Lab, Western University
No classification provided (evidence only). Condition: Ovarian serous cystadenocarcinoma. Review status: no classification provided. Collection method: in vitro. Allele origin: not applicable. Functional consequence: retained intron. Not counted in ClinVar's aggregate classification.

NM_001401501.2(MUC16):c.43143-9T>A

Gene: MUC16 (mucin 16, cell surface associated; minus strand). Cytogenetic location: 19p13.2.
Variant type: single nucleotide variant.
Coding change: c.43143-9T>A on transcript NM_001401501.2 (MANE Select); 9 bases into the intron before coding-DNA position 43143, T replaced by A.
Molecular consequence: intron variant.
Genome position (GRCh38, 1-based): chr19:8,858,760, A>T on the plus strand (T>A on the coding strand, the complement: MUC16 is on the minus strand). VCF-style: chr19-8858760-A-T. GRCh37 (hg19) VCF-style: chr19-8969436-A-T.
Other names: NC_000019.9:g.8969436A>T; c.43569-9T>A (NM_001414686.1); c.43023-9T>A (NM_001414687.1); c.42917-9T>A (NM_024690.2).
Identifiers: ClinVar variation 3037390 (VCV003037390.3), dbSNP rs75741349, ClinGen allele CA9162221.